The following is an entry in ClinVar:

ClinVar aggregate classification (germline): Uncertain significance. Review status: criteria provided, multiple submitters, no conflicts (2 of 4 stars). 3 submissions from 3 submitters: Uncertain significance (3). Last evaluated 2026-07-28.

Conditions:
Hereditary cancer-predisposing syndrome. Also called: Hereditary Cancer Syndrome; Neoplastic Syndromes, Hereditary; Hereditary neoplastic syndrome; Tumor predisposition. Identifiers: Orphanet 140162, MedGen C0027672, MeSH D009386, MONDO:0015356.
Cardiovascular phenotype. Identifiers: MedGen CN230736.
LZTR1-related schwannomatosis. Also called: Schwannomatosis-2, susceptibility to; Schwannomatosis 2. Identifiers: Orphanet 93921, MedGen C3810283, MONDO:0014299, OMIM 615670.

Allele frequency attached by ClinVar (database versions not stated): gnomAD exomes below 0.00001; ExAC 0.00001.
gnomAD v4.1: 4 of 1,612,106 alleles (0.00025%); highest among the groups gnomAD compares: Middle Eastern, 0.016%; no homozygotes.

Submissions (3):

Ambry Genetics
Classification: Uncertain significance for Cardiovascular phenotype; Hereditary cancer-predisposing syndrome. Last evaluated: 2026-07-28. Review status: criteria provided, single submitter. Criteria: Ambry Variant Classification Scheme 2023. Collection method: clinical testing. Allele origin: germline.

Labcorp Genetics (formerly Invitae), Labcorp
Classification: Uncertain significance. Last evaluated: 2025-11-03. Review status: criteria provided, single submitter. Criteria: Invitae Variant Classification Sherloc (09022015). Collection method: clinical testing. Allele origin: germline.
Comment: This sequence change replaces alanine, which is neutral and non-polar, with glycine, which is neutral and non-polar, at codon 780 of the LZTR1 protein (p.Ala780Gly). This variant is present in population databases (rs759983066, gnomAD 0.003%). This variant has not been reported in the literature in individuals affected with LZTR1-related conditions. ClinVar contains an entry for this variant (Variation ID: 1421847). Invitae Evidence Modeling of protein sequence and biophysical properties (such as structural, functional, and spatial information, amino acid conservation, physicochemical variation, residue mobility, and thermodynamic stability) indicates that this missense variant is not expected to disrupt LZTR1 protein function with a negative predictive value of 80%. In summary, the available evidence is currently insufficient to determine the role of this variant in disease. Therefore, it has been classified as a Variant of Uncertain Significance.

Baylor Genetics
Classification: Uncertain significance for LZTR1-related schwannomatosis. Last evaluated: 2024-03-21. Review status: criteria provided, single submitter. Criteria: ACMG Guidelines, 2015. Collection method: clinical testing. Allele origin: unknown.

NM_006767.4(LZTR1):c.2339C>G (p.Ala780Gly)

Gene: LZTR1 (leucine zipper like post translational regulator 1; plus strand). Cytogenetic location: 22q11.21.
Variant type: single nucleotide variant.
Coding change: c.2339C>G on transcript NM_006767.4 (MANE Select); coding-DNA position 2339, C replaced by G.
Protein change: p.Ala780Gly; replaces alanine 780 with glycine.
Molecular consequence: missense variant.
Genome position (GRCh38, 1-based): chr22:20,996,899, C>G. VCF-style: chr22-20996899-C-G. GRCh37 (hg19) VCF-style: chr22-21351188-C-G.
Other names: short protein forms A780G.
Identifiers: ClinVar variation 1421847 (VCV001421847.10), dbSNP rs759983066, ClinGen allele CA10119369.
Genomic context (GRCh38, chr22:20,996,899, plus strand): 5'-ACTGAGTGGGTGAAAGGGGCAGCGCCTCAAGGTCCCTGCCATTGCAGATCCTGGAGGCAG[C>G]TGACAAAACGCAGGCACTGGACATGAAGCGGCACTGCCTGCACATCATTGTGCACCAGTT-3'
Protein context (NP_006758.2, residues 770-790): VQNVLQILEA[Ala780Gly]DKTQALDMKR